The following is an entry in ClinVar:

NM_004385.5(VCAN):c.4004-3C>G

Genes: VCAN (versican; plus strand), VCAN-AS1 (VCAN antisense RNA 1; minus strand). Cytogenetic location: 5q14.3.
Variant type: single nucleotide variant.
Coding change: c.4004-3C>G on transcript NM_004385.5 (MANE Select); 3 bases into the intron before coding-DNA position 4004, C replaced by G.
Molecular consequence: intron variant.
Genome position (GRCh38, 1-based): chr5:83,537,004, C>G. VCF-style: chr5-83537004-C-G. GRCh37 (hg19) VCF-style: chr5-82832823-C-G.
Other names: c.4004-8533C>G (NM_001164098.2); c.1043-3C>G (NM_001164097.2); c.1043-8533C>G (NM_001126336.3).
Identifiers: ClinVar variation 2001770 (VCV002001770.4), dbSNP rs1333294034, ClinGen allele CA2580073655.

ClinVar aggregate classification (germline): Uncertain significance (1 of 4 stars; one submission).

Submission:

Labcorp Genetics (formerly Invitae), Labcorp
Classification: Uncertain significance. Last evaluated: 2022-10-07. Review status: criteria provided, single submitter. Criteria: Invitae Variant Classification Sherloc (09022015). Collection method: clinical testing. Allele origin: germline.
Comment: This sequence change falls in intron 7 of the VCAN gene. It does not directly change the encoded amino acid sequence of the VCAN protein. It affects a nucleotide within the consensus splice site. This variant is not present in population databases (gnomAD no frequency). This variant has been observed in individual(s) with retinitis pigmentosa (Invitae). Variants that disrupt the consensus splice site are a relatively common cause of aberrant splicing (PMID: 17576681, 9536098). Algorithms developed to predict the effect of sequence changes on RNA splicing suggest that this variant may disrupt the consensus splice site. In summary, the available evidence is currently insufficient to determine the role of this variant in disease. Therefore, it has been classified as a Variant of Uncertain Significance.

Literature cited by the submitters: PubMed 17576681; PubMed 9536098.